The following is an entry in ClinVar:

ClinVar aggregate classification (germline): Uncertain significance. Review status: criteria provided, multiple submitters, no conflicts (2 of 4 stars). 2 submissions from 2 submitters: Uncertain significance (2). Last evaluated 2026-06-02.

Conditions:
Cataract 1 multiple types. Also called: CATARACT 1, NUCLEAR PROGRESSIVE; CATARACT 1 WITH MICROCORNEA; CATARACT 1, POSTERIOR SUBCAPSULAR, WITH MICROCORNEA; CATARACT 1, STELLATE NUCLEAR, WITH MICROCORNEA; CATARACT, DUFFY-LINKED; CATARACT 1, MULTIPLE TYPES, WITH OR WITHOUT MICROCORNEA. Identifiers: Orphanet 1377, MedGen C1861828, MONDO:0007285, OMIM 116200.
GJA8-related disorder. Also called: GJA8-related condition.

Submissions (2):

PreventionGenetics, part of Exact Sciences
Classification: Uncertain significance for GJA8-related condition. Last evaluated: 2026-06-02. Review status: criteria provided, single submitter. Criteria: ACMG Guidelines, 2015. Collection method: clinical testing. Allele origin: germline.
Comment: The GJA8 c.293A>C variant is predicted to result in the amino acid substitution p.His98Pro. This variant has been reported in the heterozygous state in two related individuals with congenital cataract and was absent in two unaffected individuals from the same family (Mackay et al. 2014. PubMed ID: 25403472). An alternate substitution of this same amino acid residue (p.His98Arg) has also been reported in an individual with congenital cataract (Gillespie et al. 2014. PubMed ID: 25148791). This variant is absent in a large population database (gnomAD), indicating this variant is rare. This missense variant is predicted damaging to the encoded protein (Liu et al. 2016. PMID:26555599). Although we suspect that this variant may be pathogenic, at this time, the clinical significance of this variant is uncertain due to the absence of conclusive functional and genetic evidence.

Dept. Genetics and Cancer, Menzies Institute for Medical Research, University of Tasmania
Classification: Uncertain significance for Cataract 1 multiple types. Last evaluated: 2023-01-21. Review status: criteria provided, single submitter. Criteria: ACMG Guidelines, 2015. Collection method: curation. Allele origin: germline. Affected: yes.
Comment: Variant identified and curated during a GJA8 specific review of the literature in relation to pediatric or congenital cataract. ACMG-AMP criteria applied: PM2(Supporting), PP3. Original variant report: PMID:25403472. Gene review and curation guidelines are outlined in: DOI 10.1080/17469899.2023.2160320

Literature cited by the submitters: PubMed 25403472 (cited by Dept. Genetics and Cancer, Menzies Institute for Medical Research, University of Tasmania).

NM_005267.5(GJA8):c.293A>C (p.His98Pro)

Gene: GJA8 (gap junction protein alpha 8; plus strand). Cytogenetic location: 1q21.2.
Variant type: single nucleotide variant.
Coding change: c.293A>C on transcript NM_005267.5 (MANE Select); coding-DNA position 293, A replaced by C.
Protein change: p.His98Pro; replaces histidine 98 with proline.
Molecular consequence: missense variant.
Genome position (GRCh38, 1-based): chr1:147,908,248, A>C. VCF-style: chr1-147908248-A-C. GRCh37 (hg19) VCF-style: chr1-147380375-A-C.
Other names: c.293A>C (NM_005267.4); short protein forms H98P.
Identifiers: ClinVar variation 3253659 (VCV003253659.2), dbSNP rs2524889972.
Genomic context (GRCh38, chr1:147,908,248, plus strand): 5'-GGGTGCTGCAGATCATCTTCGTCTCCACCCCGTCCCTGATGTACGTGGGGCACGCGGTGC[A>C]CTACGTCCGCATGGAGGAGAAGCGCAAAAGCCGCGAGGCGGAGGAGCTGGGCCAGCAGGC-3'
Protein context (NP_005258.2, residues 88-108): PSLMYVGHAV[His98Pro]YVRMEEKRKS